The following is an entry in ClinVar:

NM_000352.6(ABCC8):c.3000C>A (p.Cys1000Ter)

Gene: ABCC8 (ATP binding cassette subfamily C member 8; minus strand). Cytogenetic location: 11p15.1.
Variant type: single nucleotide variant.
Coding change: c.3000C>A on transcript NM_000352.6 (MANE Select); coding-DNA position 3000, C replaced by A.
Protein change: p.Cys1000Ter; replaces cysteine 1000 with a stop codon.
Molecular consequence: nonsense. On other transcripts: non-coding transcript variant (1).
Genome position (GRCh38, 1-based): chr11:17,407,050, G>T on the plus strand (C>A on the coding strand, the complement: ABCC8 is on the minus strand). VCF-style: chr11-17407050-G-T. GRCh37 (hg19) VCF-style: chr11-17428597-G-T.
Other names: NM_000352.6(ABCC8):c.3000C>A; p.Cys1000Ter; c.3000C>A, p.Cys1000Ter (NM_001351296.2); c.2997C>A, p.Cys999Ter (NM_001351297.2); c.3003C>A, p.Cys1001Ter (NM_001287174.3); c.3066C>A, p.Cys1022Ter (NM_001351295.2); short protein forms C1000*, C1001*, C1022*, C999*.
Identifiers: ClinVar variation 1075098 (VCV001075098.10), dbSNP rs192863214, ClinGen allele CA5902947.

ClinVar aggregate classification (germline): Pathogenic/Likely pathogenic. Review status: criteria provided, multiple submitters, no conflicts (2 of 4 stars). 3 submissions from 3 submitters: Pathogenic (2); Likely pathogenic (1). Last evaluated 2024-10-09.

Conditions:
Hyperinsulinemic hypoglycemia, familial, 1 (HHF1). Also called: Persistent hyperinsulinemic hypoglycemia of infancy; HYPERINSULINISM, FAMILIAL, WITH PANCREATIC NESIDIOBLASTOSIS; HYPOGLYCEMIA, HYPERINSULINEMIC, OF INFANCY; NESIDIOBLASTOSIS OF PANCREAS; Persistent Hyperinsulinemia Hypoglycemia of Infancy. Identifiers: Orphanet 276575, Orphanet 276598, MedGen C2931832, MONDO:0009734, OMIM 256450.
Familial hyperinsulinism. Also called: Congenital hyperinsulinism. Identifiers: Orphanet 276525, MedGen C3888018, MONDO:0017182. Disease mechanism: loss of function.

gnomAD v4.1: 4 of 1,614,140 alleles (0.00025%); highest among the groups gnomAD compares: South Asian, 0.0011%; no homozygotes.

Submissions (3):

Women's Health and Genetics/Laboratory Corporation of America, LabCorp
Classification: Pathogenic for Familial hyperinsulinism. Last evaluated: 2024-10-09. Review status: criteria provided, single submitter. Criteria: LabCorp Variant Classification Summary - May 2015. Collection method: clinical testing. Allele origin: germline.
Comment: Variant summary: ABCC8 c.3000C>A (p.Cys1000X) results in a premature termination codon, predicted to cause absence of the protein due to nonsense mediated decay, which is a commonly known mechanism for disease. The variant allele was found at a frequency of 4e-06 in 248338 control chromosomes (gnomAD). c.3000C>A has been reported in the literature in individuals affected with Congenital Hyperinsulinism (e.g. Su_2014). The following publication has been ascertained in the context of this evaluation (PMID: 24434300). ClinVar contains an entry for this variant (Variation ID: 1075098). Based on the evidence outlined above, the variant was classified as pathogenic.

Broad Center for Mendelian Genomics, Broad Institute of MIT and Harvard
Classification: Likely pathogenic for Hyperinsulinemic hypoglycemia, familial, 1. Last evaluated: 2023-08-16. Review status: criteria provided, single submitter. Criteria: ACMG Guidelines, 2015. Collection method: curation. Allele origin: germline. Inheritance: Autosomal recessive inheritance.
Comment: The p.Cys1000Ter variant in ABCC8 has been reported in at least 2 individuals with hyperinsulinemic hypoglycemia (PMID: 24434300, 25008049), and has been identified in 0.0009% (1/111072) of European (non-Finnish) chromosomes by the Genome Aggregation Database (gnomAD; dbSNP ID: rs192863214). Although this variant has been seen in the general population in a heterozygous state, its frequency is low enough to be consistent with a recessive carrier frequency. This variant has also been reported in ClinVar (Variation ID: 1075098) and has been interpreted as Pathogenic by Invitae. This nonsense variant leads to a premature termination codon at position 1000, which is predicted to lead to a truncated or absent protein. Loss of function of the ABCC8 gene is an established disease mechanism in autosomal recessive hyperinsulinemic hypoglycemia. In summary, although additional studies are required to fully establish its clinical significance, this variant is likely pathogenic for autosomal recessive hyperinsulinemic hypoglycemia. ACMG/AMP Criteria applied: PVS1, PM2 (Richards 2015).

Labcorp Genetics (formerly Invitae), Labcorp
Classification: Pathogenic. Last evaluated: 2022-02-05. Review status: criteria provided, single submitter. Criteria: Invitae Variant Classification Sherloc (09022015). Collection method: clinical testing. Allele origin: germline.
Comment: For these reasons, this variant has been classified as Pathogenic. ClinVar contains an entry for this variant (Variation ID: 1075098). This premature translational stop signal has been observed in individual(s) with congenital hyperinsulinism (PMID: 24434300). This variant is present in population databases (rs192863214, gnomAD 0.0009%). This sequence change creates a premature translational stop signal (p.Cys1000*) in the ABCC8 gene. It is expected to result in an absent or disrupted protein product. Loss-of-function variants in ABCC8 are known to be pathogenic (PMID: 20685672, 23345197).

Literature cited by the submitters: PubMed 24434300 (cited by Women's Health and Genetics/Laboratory Corporation of America, LabCorp and Labcorp Genetics (formerly Invitae), Labcorp); PubMed 20685672 (cited by Labcorp Genetics (formerly Invitae), Labcorp); PubMed 23345197 (cited by Labcorp Genetics (formerly Invitae), Labcorp).